The following is an entry in ClinVar:

ClinVar aggregate classification (germline): Uncertain significance (1 of 4 stars; one submission).

Conditions:
Hereditary sensory and autonomic neuropathy type 6. Also called: HSAN VI; Neuropathy, hereditary sensory and autonomic, type VI. Identifiers: Orphanet 314381, MedGen C3539003, MONDO:0013839, OMIM 614653.
Epidermolysis bullosa simplex 3, localized or generalized intermediate, with BP230 deficiency (EBS3). Also called: Epidermolysis bullosa simplex due to BP230 deficiency; Epidermolysis bullosa simplex, autosomal recessive 2. Identifiers: Orphanet 412181, MedGen C3809470, MONDO:0014180, OMIM 615425.

Allele frequency attached by ClinVar (database versions not stated): ExAC 0.00001; gnomAD 0.00001; TOPMed 0.00001.
gnomAD v4.1: 2 of 1,613,570 alleles (0.00012%); highest among the groups gnomAD compares: African/African-American, 0.0027%; no homozygotes.

Submission:

Labcorp Genetics (formerly Invitae), Labcorp
Classification: Uncertain significance for Epidermolysis bullosa simplex 3, localized or generalized intermediate, with BP230 deficiency; Hereditary sensory and autonomic neuropathy type 6. Last evaluated: 2022-04-04. Review status: criteria provided, single submitter. Criteria: Invitae Variant Classification Sherloc (09022015). Collection method: clinical testing. Allele origin: germline.
Comment: The DST gene has multiple clinically relevant transcripts. This variant occurs in alternate transcript NM_015548.4, and corresponds to NM_001723.5:c.*133390G>A in the primary transcript. This sequence change replaces alanine, which is neutral and non-polar, with threonine, which is neutral and polar, at codon 4529 of the DST protein (p.Ala4529Thr). This variant has not been reported in the literature in individuals affected with DST-related conditions. This variant is present in population databases (rs769686284, gnomAD 0.007%). Experimental studies and prediction algorithms are not available or were not evaluated, and the functional significance of this variant is currently unknown. In summary, the available evidence is currently insufficient to determine the role of this variant in disease. Therefore, it has been classified as a Variant of Uncertain Significance.

NM_001374736.1(DST):c.21454G>A (p.Ala7152Thr)

Gene: DST (dystonin; minus strand). Cytogenetic location: 6p12.1.
Variant type: single nucleotide variant.
Coding change: c.21454G>A on transcript NM_001374736.1 (MANE Select); coding-DNA position 21454, G replaced by A.
Protein change: p.Ala7152Thr; replaces alanine 7152 with threonine.
Molecular consequence: missense variant.
Genome position (GRCh38, 1-based): chr6:56,482,127, C>T on the plus strand (G>A on the coding strand, the complement: DST is on the minus strand). VCF-style: chr6-56482127-C-T. GRCh37 (hg19) VCF-style: chr6-56346925-C-T.
Other names: c.15097G>A, p.Ala5033Thr (NM_001144769.5); c.14683G>A, p.Ala4895Thr (NM_001144770.2); c.21454G>A, p.Ala7152Thr (NM_001374722.1); c.20494G>A, p.Ala6832Thr (NM_001374729.1); c.14236G>A, p.Ala4746Thr (NM_001374730.1); c.21481G>A, p.Ala7161Thr (NM_001374734.1); c.14563G>A, p.Ala4855Thr (NM_001386100.1, NM_183380.4); c.13585G>A, p.Ala4529Thr (NM_015548.5); short protein forms A4529T, A4746T, A4855T, A4895T, A5033T, A6832T, A7152T, A7161T.
Identifiers: ClinVar variation 2415344 (VCV002415344.8), dbSNP rs769686284, ClinGen allele CA3866470.